The following is an entry in ClinVar:

ClinVar aggregate classification (germline): Uncertain significance (1 of 4 stars; one submission).

Conditions:
Hereditary spastic paraplegia 11. Also called: SPASTIC PARAPLEGIA, AUTOSOMAL RECESSIVE, COMPLICATED, WITH THIN CORPUS CALLOSUM; SPASTIC PARAPLEGIA, AUTOSOMAL RECESSIVE, WITH MENTAL IMPAIRMENT AND THIN CORPUS CALLOSUM; Nakamura Osame syndrome; Autosomal recessive hereditary spastic paraplegia, mental impairment, and thin corpus callosum; Spastic paraplegia, mental retardation and thin corpus callosum; Spastic Paraplegia 11. Identifiers: Orphanet 2822, MedGen C1858479, MONDO:0011445, OMIM 604360.

Submission:

Labcorp Genetics (formerly Invitae), Labcorp
Classification: Uncertain significance for Hereditary spastic paraplegia 11. Last evaluated: 2021-12-02. Review status: criteria provided, single submitter. Criteria: Invitae Variant Classification Sherloc (09022015). Collection method: clinical testing. Allele origin: germline.
Comment: This variant results in a copy number gain of the genomic region encompassing exon(s) 31-40 of the SPG11 gene. This region includes the termination codon of the gene. This copy number gain extends beyond the assayed region for this gene and therefore may encompass additional genes. As the precise location of this event is unknown, it may be in tandem or it may be located elsewhere in the genome. In summary, the available evidence is currently insufficient to determine the role of this variant in disease. Therefore, it has been classified as a Variant of Uncertain Significance. Experimental studies and prediction algorithms are not available or were not evaluated, and the functional significance of this variant is currently unknown. This variant has not been reported in the literature in individuals affected with SPG11-related conditions.

NC_000015.9:g.(?_44855319)_(44867259_?)dup

Gene: SPG11 (SPG11 vesicle trafficking associated, spatacsin; minus strand). Cytogenetic location: 15q21.1.
Variant type: Duplication.
Identifiers: ClinVar variation 1412504 (VCV001412504.4).